The following is an entry in ClinVar:

ClinVar aggregate classification (germline): Conflicting classifications of pathogenicity. Review status: criteria provided, conflicting classifications (1 of 4 stars). 3 submissions from 3 submitters: Uncertain significance (1); Benign (1). 1 of the submissions does not count toward it. Last evaluated 2025-09-18.

Conditions:
Autosomal recessive limb-girdle muscular dystrophy type 2F (LGMDR6). Also called: Muscular dystrophy limb-girdle with delta-sarcoglyan deficiency; MUSCULAR DYSTROPHY, LIMB-GIRDLE, AUTOSOMAL RECESSIVE 6. Identifiers: Orphanet 219, MedGen C1832525, MONDO:0011028, OMIM 601287. Disease mechanism: Affects gamma-sarcoglycan and also disrupts the integrity of the entire sarcoglycan complex..

Allele frequency attached by ClinVar (database versions not stated): ExAC 0.00001; gnomAD exomes below 0.00001; ESP Exome Variant Server 0.00008.
gnomAD v4.1: 2 of 1,611,482 alleles (0.00012%); highest among the groups gnomAD compares: East Asian, 0.0022%; no homozygotes.

Submissions (3):

Women's Health and Genetics/Laboratory Corporation of America, LabCorp
Classification: Uncertain significance. Last evaluated: 2025-09-18. Review status: criteria provided, single submitter. Criteria: LabCorp Variant Classification Summary - May 2015. Collection method: clinical testing. Allele origin: germline.
Comment: Variant summary: SGCD c.226G>T (p.Gly76Cys) results in a non-conservative amino acid change in the encoded protein sequence. Algorithms developed to predict the effect of missense changes on protein structure and function all suggest that this variant is likely to be disruptive. The variant allele was found at a frequency of 4e-06 in 248328 control chromosomes. c.226G>T has been observed in individual(s) affected with Limb-Girdle Muscular Dystrophy, Autosomal Recessive (Klinge_2008). These data indicate that the variant may be associated with disease. To our knowledge, no experimental evidence demonstrating an impact on protein function has been reported. The following publication have been ascertained in the context of this evaluation (PMID: 18996010). ClinVar contains an entry for this variant (Variation ID: 161391). Based on the evidence outlined above, the variant was classified as VUS-possibly pathogenic.

Mendelics
Classification: Benign for Autosomal recessive limb-girdle muscular dystrophy type 2F. Last evaluated: 2019-05-28. Review status: criteria provided, single submitter. Criteria: Mendelics Assertion Criteria 2017. Collection method: clinical testing. Allele origin: unknown.

CSER _CC_NCGL, University of Washington
Classification: Likely benign for Muscular dystrophy, limb girdle 2F. Last evaluated: 2014-06-01. Review status: no assertion criteria provided. Collection method: research. Allele origin: germline. Inheritance: Autosomal dominant inheritance. Study: ESP 6500 variant annotation. Not counted in ClinVar's aggregate classification.
Comment: Variants classified for the Actionable exomic incidental findings in 6503 participants: challenges of variant classification manuscript

Literature cited by the submitters: PubMed 18996010 (cited by Women's Health and Genetics/Laboratory Corporation of America, LabCorp).

NM_000337.6(SGCD):c.226G>T (p.Gly76Cys)

Gene: SGCD (sarcoglycan delta; plus strand). Cytogenetic location: 5q33.3.
Variant type: single nucleotide variant.
Coding change: c.226G>T on transcript NM_000337.6 (MANE Select); coding-DNA position 226, G replaced by T.
Protein change: p.Gly76Cys; replaces glycine 76 with cysteine.
Molecular consequence: missense variant.
Genome position (GRCh38, 1-based): chr5:156,508,634, G>T. VCF-style: chr5-156508634-G-T. GRCh37 (hg19) VCF-style: chr5-155935644-G-T.
Other names: c.223G>T, p.Gly75Cys (NM_001128209.2); c.226G>T, p.Gly76Cys (NM_172244.3); short protein forms G76C, G75C.
Identifiers: ClinVar variation 161391 (VCV000161391.4), dbSNP rs376659221, ClinGen allele CA211885.